The following is an entry in ClinVar:

ClinVar aggregate classification (germline): Uncertain significance (1 of 4 stars; one submission).

Submission:

Labcorp Genetics (formerly Invitae), Labcorp
Classification: Uncertain significance. Last evaluated: 2024-06-19. Review status: criteria provided, single submitter. Criteria: Invitae Variant Classification Sherloc (09022015). Collection method: clinical testing. Allele origin: germline.
Comment: This sequence change replaces glutamine, which is neutral and polar, with arginine, which is basic and polar, at codon 922 of the ALPK1 protein (p.Gln922Arg). This variant is not present in population databases (gnomAD no frequency). This variant has not been reported in the literature in individuals affected with ALPK1-related conditions. Advanced modeling of protein sequence and biophysical properties (such as structural, functional, and spatial information, amino acid conservation, physicochemical variation, residue mobility, and thermodynamic stability) performed at Invitae indicates that this missense variant is not expected to disrupt ALPK1 protein function with a negative predictive value of 80%. In summary, the available evidence is currently insufficient to determine the role of this variant in disease. Therefore, it has been classified as a Variant of Uncertain Significance.

NM_025144.4(ALPK1):c.2765A>G (p.Gln922Arg)

Gene: ALPK1 (alpha kinase 1; plus strand). Cytogenetic location: 4q25.
Variant type: single nucleotide variant.
Coding change: c.2765A>G on transcript NM_025144.4 (MANE Select); coding-DNA position 2765, A replaced by G.
Protein change: p.Gln922Arg; replaces glutamine 922 with arginine.
Molecular consequence: missense variant.
Genome position (GRCh38, 1-based): chr4:112,432,312, A>G. VCF-style: chr4-112432312-A-G. GRCh37 (hg19) VCF-style: chr4-113353468-A-G.
Other names: c.2765A>G, p.Gln922Arg (NM_001102406.2); c.2531A>G, p.Gln844Arg (NM_001253884.2); short protein forms Q844R, Q922R.
Identifiers: ClinVar variation 3651357 (VCV003651357.2).